The following is an entry in ClinVar:

ClinVar aggregate classification (germline): Benign/Likely benign. Review status: criteria provided, multiple submitters, no conflicts (2 of 4 stars). 8 submissions from 8 submitters: Benign (2); Likely benign (5). 1 of the submissions does not count toward it. Last evaluated 2026-01-28.

Conditions:
FANCB-related disorder. Also called: FANCB-related condition.
Inborn genetic diseases. Identifiers: MedGen C0950123, MeSH D030342.
VACTERL association, X-linked, with or without hydrocephalus (VACTERLX). Also called: VACTERL-H, X-LINKED; VACTERL Association with Hydrocephalus, X-linked; VACTERL ASSOCIATION, X-LINKED; X-linked VACTERL-H syndrome. Identifiers: Orphanet 3412, MedGen C2931228, MONDO:0010752, OMIM 314390.
Fanconi anemia complementation group B (FANCB). Also called: FANCONI PANCYTOPENIA, TYPE 2; FANCB-Related Fanconi Anemia. Identifiers: Orphanet 84, MedGen C1845292, MONDO:0010351, OMIM 300514.
Fanconi anemia (FA). Also called: Fanconi's anemia. Identifiers: Orphanet 84, MedGen C0015625, MeSH D005199, MONDO:0019391.

Submissions (8):

Labcorp Genetics (formerly Invitae), Labcorp
Classification: Benign for Fanconi anemia. Last evaluated: 2026-01-28. Review status: criteria provided, single submitter. Criteria: Invitae Variant Classification Sherloc (09022015). Collection method: clinical testing. Allele origin: germline.

CeGaT Center for Human Genetics Tuebingen
Classification: Likely benign. Last evaluated: 2025-10-01. Review status: criteria provided, single submitter. Criteria: CeGaT Center For Human Genetics Tuebingen Variant Classification Criteria Version 2. Collection method: clinical testing. Allele origin: germline. Affected: yes. Observed: 1 variant allele.
Comment: FANCB: BP4, BS2

Blueprint Genetics
Classification: Likely benign. Last evaluated: 2023-11-28. Review status: criteria provided, single submitter. Criteria: ACMG Guidelines, 2015. Collection method: clinical testing. Allele origin: germline.

Fulgent Genetics
Classification: Likely benign for Fanconi anemia complementation group B; VACTERL association, X-linked, with or without hydrocephalus. Last evaluated: 2022-05-10. Review status: criteria provided, single submitter. Criteria: ACMG Guidelines, 2015. Collection method: clinical testing. Allele origin: unknown.

Sema4
Classification: Likely benign for Fanconi anemia. Last evaluated: 2021-10-13. Review status: criteria provided, single submitter. Criteria: Sema4 Curation Guidelines. Collection method: curation. Allele origin: germline.

Ambry Genetics
Classification: Benign for Inborn genetic diseases. Last evaluated: 2016-05-04. Review status: criteria provided, single submitter. Criteria: Ambry Variant Classification Scheme 2023. Collection method: clinical testing. Allele origin: germline.

Eurofins Ntd Llc (ga)
Classification: Likely benign. Last evaluated: 2015-06-24. Review status: criteria provided, single submitter. Criteria: EGL Classification Definitions 2015. Collection method: clinical testing. Allele origin: germline. Observed: 1 variant allele, 1 hemizygote.

PreventionGenetics, part of Exact Sciences
Classification: Likely benign for FANCB-related condition. Last evaluated: 2019-04-24. Review status: no assertion criteria provided. Collection method: clinical testing. Allele origin: germline. Not counted in ClinVar's aggregate classification.
Comment: This variant is classified as likely benign based on ACMG/AMP sequence variant interpretation guidelines (Richards et al. 2015 PMID: 25741868, with internal and published modifications).

NM_001018113.3(FANCB):c.1105-26TATT[4]

Gene: FANCB (FA complementation group B; minus strand). Cytogenetic location: Xp22.2.
Variant type: Microsatellite.
Coding change: c.1105-26TATT[4] on transcript NM_001018113.3 (MANE Select); four copies in a row of the 4-base unit TATT starting at c.1105-26; the reference has six copies in a row; two copies, 8 bases deleted.
Molecular consequence: intron variant.
Genome position (GRCh38, 1-based): chrX:14,857,957-14,857,964, AATAAATA deleted on the plus strand (TATTTATT on the coding strand, the reverse complement: FANCB is on the minus strand); deleting any 8 consecutive bases within chrX:14,857,957-14,857,980 gives the same sequence; the position shown is the placement nearest the transcript's 3' end. VCF-style (leftmost placement, unchanged base first): chrX-14857956-TAATAAATA-T. GRCh37 (hg19) VCF-style: chrX-14876078-TAATAAATA-T.
Other names: c.1105-10_1105-3delTATTTATT (NM_001018113.1); c.1105-10_1105-3del8 (NM_001018113.2); c.1105-10_1105-3del (NM_001018113.3); c.1105-26TATT[4] (NM_001324162.2, NM_152633.4).
Identifiers: ClinVar variation 281376 (VCV000281376.26), dbSNP rs398123537, ClinGen allele CA10353115.